The following is an entry in ClinVar:

ClinVar aggregate classification (germline): Benign (0 of 4 stars; one submission).

Conditions:
ALPK2-related disorder. Also called: ALPK2-related condition.

Allele frequency attached by ClinVar (database versions not stated): 1000 Genomes Project 30x 0.66708; 1000 Genomes Project 0.67173; TOPMed 0.68080; ESP Exome Variant Server 0.68322; gnomAD 0.69993; ExAC 0.74634; gnomAD exomes 0.76921.
gnomAD v4.1: 1,229,483 of 1,613,982 alleles (76%); highest among the groups gnomAD compares: East Asian, 81%; 472,041 homozygotes.

Submission:

PreventionGenetics, part of Exact Sciences
Classification: Benign for ALPK2-related condition. Last evaluated: 2019-10-17. Review status: no assertion criteria provided. Collection method: clinical testing. Allele origin: germline.
Comment: This variant is classified as benign based on ACMG/AMP sequence variant interpretation guidelines (Richards et al. 2015 PMID: 25741868, with internal and published modifications).

NM_052947.4(ALPK2):c.3972T>C (p.His1324=)

Genes: ALPK2 (alpha kinase 2; minus strand), LOC126862764 (BRD4-independent group 4 enhancer GRCh37_chr18:56202574-56203773; plus strand). Cytogenetic location: 18q21.31.
Variant type: single nucleotide variant.
Coding change: c.3972T>C on transcript NM_052947.4 (MANE Select); coding-DNA position 3972, T replaced by C.
Protein change: p.His1324=; no amino-acid change (histidine 1324 retained).
Molecular consequence: synonymous variant.
Genome position (GRCh38, 1-based): chr18:58,536,215, A>G on the plus strand (T>C on the coding strand, the complement: ALPK2 is on the minus strand). VCF-style: chr18-58536215-A-G. GRCh37 (hg19) VCF-style: chr18-56203447-A-G.
Identifiers: ClinVar variation 3060661 (VCV003060661.2), dbSNP rs3809979, ClinGen allele CA8976799.
Genomic context (GRCh38, chr18:58,536,215, plus strand): 5'-GTCCACGGATGACTCCAGGAGTCTGGGTTGGCTGAAACCCCGGGAAGAAAGACTTCTCCA[A>G]TGTACACTGATGGTGGGCTCTTCGCCTTTATGGCTTTCTCTGCTATCAGCAAGGGCTGAC-3'
Protein context (NP_443179.3, residues 1314-1334): HKGEEPTISV[His1324=]WRSLSSRGFS